The following is an entry in ClinVar:

NM_024408.4(NOTCH2):c.1761T>C (p.Gly587=)

Gene: NOTCH2 (notch receptor 2; minus strand). Cytogenetic location: 1p12.
Variant type: single nucleotide variant.
Coding change: c.1761T>C on transcript NM_024408.4 (MANE Select); coding-DNA position 1761, T replaced by C.
Protein change: p.Gly587=; no amino-acid change (glycine 587 retained).
Molecular consequence: synonymous variant.
Genome position (GRCh38, 1-based): chr1:119,963,728, A>G on the plus strand (T>C on the coding strand, the complement: NOTCH2 is on the minus strand). VCF-style: chr1-119963728-A-G. GRCh37 (hg19) VCF-style: chr1-120506351-A-G.
Other names: c.1761T>C, p.Gly587= (NM_001200001.2).
Identifiers: ClinVar variation 3349996 (VCV003349996.1).
Genomic context (GRCh38, chr1:119,963,728, plus strand): 5'-CTGGTCACTGCAGATGGCGCCCATGTACCCGGGATTGCAGATGCAGGTGTAGGAATCAAT[A>G]CCATCCTGACACTGACCATGGTGGCAAGGATCGGGGTCACAGTTGTCAATGTTCTCCTCA-3'
Protein context (NP_077719.2, residues 577-597): DPCHHGQCQD[Gly587=]IDSYTCICNP

ClinVar aggregate classification (germline): Likely benign (0 of 4 stars; one submission).

Conditions:
NOTCH2-related disorder. Also called: NOTCH2-related condition.

gnomAD v4.1: 1 of 1,614,112 alleles (0.000062%); highest among the groups gnomAD compares: African/African-American, 0.0013%; no homozygotes.

Submission:

PreventionGenetics, part of Exact Sciences
Classification: Likely benign for NOTCH2-related condition. Last evaluated: 2024-04-15. Review status: no assertion criteria provided. Collection method: clinical testing. Allele origin: germline.
Comment: This variant is classified as likely benign based on ACMG/AMP sequence variant interpretation guidelines (Richards et al. 2015 PMID: 25741868, with internal and published modifications).